The following is an entry in ClinVar:

ClinVar aggregate classification (germline): Benign (1 of 4 stars; one submission).

Conditions:
Retinitis pigmentosa (RP). Identifiers: Orphanet 791, MedGen C0035334, MeSH D012174, MONDO:0019200, OMIM 268000. Inheritance: Autosomal dominant, autosomal recessive and X linked inheritance.

Allele frequency attached by ClinVar (database versions not stated): 1000 Genomes Project 0.40076; 1000 Genomes Project 30x 0.40272; gnomAD 0.43514 and 0.44141; TOPMed 0.43632.

Submission:

Illumina Laboratory Services, Illumina
Classification: Benign for Retinitis pigmentosa. Last evaluated: 2018-01-13. Review status: criteria provided, single submitter. Criteria: ICSL Variant Classification Criteria 13 December 2019. Collection method: clinical testing. Allele origin: germline.
Comment: This variant was observed in the ICSL laboratory as part of a predisposition screen in an ostensibly healthy population. It had not been previously curated by ICSL or reported in the Human Gene Mutation Database (HGMD: prior to June 1st, 2018), and was therefore a candidate for classification through an automated scoring system. Utilizing variant allele frequency, disease prevalence and penetrance estimates, and inheritance mode, an automated score was calculated to assess if this variant is too frequent to cause the disease. Based on the score and internal cut-off values, a variant classified as benign is not then subjected to further curation. The score for this variant resulted in a classification of benign for this disease.

NM_000440.3(PDE6A):c.*2336C>T

Gene: PDE6A (phosphodiesterase 6A; minus strand). Cytogenetic location: 5q32.
Variant type: single nucleotide variant.
Coding change: c.*2336C>T on transcript NM_000440.3 (MANE Select); 2336 bases downstream of the stop codon, C replaced by T.
Molecular consequence: 3 prime UTR variant.
Genome position (GRCh38, 1-based): chr5:149,858,559, G>A on the plus strand (C>T on the coding strand, the complement: PDE6A is on the minus strand). VCF-style: chr5-149858559-G-A. GRCh37 (hg19) VCF-style: chr5-149238122-G-A.
Identifiers: ClinVar variation 351945 (VCV000351945.5), dbSNP rs30885, ClinGen allele CA10623368.